The following is an entry in ClinVar:

ClinVar aggregate classification (germline): Likely pathogenic (1 of 4 stars; one submission).

Allele frequency attached by ClinVar (database versions not stated): gnomAD exomes below 0.00001.
gnomAD v4.1: 1 of 1,613,354 alleles (0.000062%); highest among the groups gnomAD compares: South Asian, 0.0011%; no homozygotes.

Submission:

Labcorp Genetics (formerly Invitae), Labcorp
Classification: Likely pathogenic. Last evaluated: 2023-11-28. Review status: criteria provided, single submitter. Criteria: Invitae Variant Classification Sherloc (09022015). Collection method: clinical testing. Allele origin: germline.
Comment: This sequence change affects an acceptor splice site in intron 10 of the ANO10 gene. It is expected to disrupt RNA splicing. Variants that disrupt the donor or acceptor splice site typically lead to a loss of protein function (PMID: 16199547), and loss-of-function variants in ANO10 are known to be pathogenic (PMID: 25089919). This variant is not present in population databases (gnomAD no frequency). This variant has not been reported in the literature in individuals affected with ANO10-related conditions. Algorithms developed to predict the effect of sequence changes on RNA splicing suggest that this variant may disrupt the consensus splice site. In summary, the currently available evidence indicates that the variant is pathogenic, but additional data are needed to prove that conclusively. Therefore, this variant has been classified as Likely Pathogenic.

Literature cited by the submitters: PubMed 16199547; PubMed 25089919.

NM_018075.5(ANO10):c.1669-2A>G

Gene: ANO10 (anoctamin 10; minus strand). Cytogenetic location: 3p22.1.
Variant type: single nucleotide variant.
Coding change: c.1669-2A>G on transcript NM_018075.5 (MANE Select); the canonical splice acceptor site of the intron before coding-DNA position 1669, A replaced by G.
Molecular consequence: splice acceptor variant.
Genome position (GRCh38, 1-based): chr3:43,549,850, T>C on the plus strand (A>G on the coding strand, the complement: ANO10 is on the minus strand). VCF-style: chr3-43549850-T-C. GRCh37 (hg19) VCF-style: chr3-43591342-T-C.
Other names: c.1471-2A>G (NM_001346469.2, NM_001204832.3, NM_001346466.2); c.1669-2A>G (NM_001346468.2, NM_001346465.2, NM_001204831.3); c.1336-2A>G (NM_001204833.3); c.1099-2A>G (NM_001204834.3); c.1786-2A>G (NM_001346463.2, NM_001346464.2, NM_001346467.2).
Identifiers: ClinVar variation 2699446 (VCV002699446.3), dbSNP rs797045240, ClinGen allele CA352341802.